The following is an entry in ClinVar:

NM_000092.5(COL4A4):c.1327_1344del (p.Pro444_Leu449del)

Gene: COL4A4 (collagen type IV alpha 4 chain; minus strand). Cytogenetic location: 2q36.3.
Variant type: Deletion.
Coding change: c.1327_1344del on transcript NM_000092.5 (MANE Select); coding-DNA positions 1327 to 1344, 18 bases deleted (TTGCCTGGAGCACCAGGC).
Protein change: p.Pro444_Leu449del.
Molecular consequence: inframe deletion.
Genome position (GRCh38, 1-based): chr2:227,094,150-227,094,167, GCCTGGTGCTCCAGGCAA deleted on the plus strand (TTGCCTGGAGCACCAGGC on the coding strand, the reverse complement: COL4A4 is on the minus strand); deleting any 18 consecutive bases within chr2:227,094,150-227,094,170 gives the same sequence; the c. name uses the placement nearest the transcript's 3' end. VCF-style (leftmost placement, unchanged base first): chr2-227094149-GGCCTGGTGCTCCAGGCAA-G. GRCh37 (hg19) VCF-style: chr2-227958865-GGCCTGGTGCTCCAGGCAA-G.
Other names: c.1327_1344del (NM_000092.4); c.1327_1344del18 (NM_000092.4); c.1327_1344delTTGCCTGGAGCACCAGGC (NM_000092.4).
Identifiers: ClinVar variation 555889 (VCV000555889.19), dbSNP rs1203564054, ClinGen allele CA540306581.

ClinVar aggregate classification (germline): Pathogenic/Likely pathogenic. Review status: criteria provided, multiple submitters, no conflicts (2 of 4 stars). 8 submissions from 8 submitters: Pathogenic (2); Likely pathogenic (5). 1 of the submissions does not count toward it. Last evaluated 2025-12-26.

Conditions:
Autosomal recessive Alport syndrome (ATS2). Also called: COL4A4 Alport Syndrome and Thin Basement Membrane Nephropathy; Alport syndrome type 2; ALPORT SYNDROME 2, AUTOSOMAL RECESSIVE; COL4A3-Related Nephropathy. Identifiers: Orphanet 63, Orphanet 88919, MedGen C4746745, MONDO:0008762, OMIM 203780.
Hematuria, benign familial, 1 (BFH1). Also called: THIN MEMBRANE NEPHROPATHY. Identifiers: MedGen CN376803, MONDO:0007709, OMIM 141200.
COL4A4-related disorder.
Alport syndrome. Also called: Hemorrhagic familial nephritis; Hemorrhagic hereditary nephritis; Congenital hereditary hematuria. Identifiers: Orphanet 63, MedGen C1567741, MONDO:0018965.

Submissions (8):

Labcorp Genetics (formerly Invitae), Labcorp
Classification: Likely pathogenic. Last evaluated: 2025-12-26. Review status: criteria provided, single submitter. Criteria: Invitae Variant Classification Sherloc (09022015). Collection method: clinical testing. Allele origin: germline.
Comment: This variant, c.1327_1344del, results in the deletion of 6 amino acid(s) of the COL4A4 protein (p.Pro444_Leu449del), but otherwise preserves the integrity of the reading frame. This variant is present in population databases (no rsID available, gnomAD 0.006%). A different variant (c.1323_1340del) giving rise to the same protein effect has been determined to be pathogenic (PMID: 9792860, 25307543, 27281700, 30745910). This suggests that this variant is also likely to be causative of disease. ClinVar contains an entry for this variant (Variation ID: 555889). In summary, the currently available evidence indicates that the variant is pathogenic, but additional data are needed to prove that conclusively. Therefore, this variant has been classified as Likely Pathogenic.

Natera, Inc.
Classification: Likely pathogenic for Alport syndrome. Last evaluated: 2025-09-05. Review status: criteria provided, single submitter. Criteria: Natera Variant Classification Schema (03/2026). Collection method: clinical testing. Allele origin: germline.
Comment: The c.1327_1344delTTGCCTGGAGCACCAGGC variant in COL4A4 is an in-frame deletion. This variant is rare in the general population with a frequency below the threshold expected for the associated phenotype(s). This variant has been observed in one or more individuals affected with the associated recessive disease, as either homozygous or compound heterozygous with a second variant (PMID: 30745910). This variant is located in a functionally critical region of the protein. Given the available evidence, this variant is classified as Likely Pathogenic.

GeneDx
Classification: Likely pathogenic. Last evaluated: 2025-05-23. Review status: criteria provided, single submitter. Criteria: GeneDx Variant Classification Process June 2021. Collection method: clinical testing. Allele origin: germline.
Comment: In-frame deletion of 6 amino acids within the triple helical domain expected to disrupt normal protein folding and function; In silico analysis supports a deleterious effect on protein structure/function; This variant is associated with the following publications: (PMID: 33095447)

Blueprint Genetics
Classification: Likely pathogenic for COL4A4-related disorders. Last evaluated: 2024-10-31. Review status: criteria provided, single submitter. Criteria: ACMG Guidelines, 2015. Collection method: clinical testing. Allele origin: germline. Affected: yes. Observed: 1 variant allele.

Victorian Clinical Genetics Services, Murdoch Childrens Research Institute
Classification: Pathogenic for Alport syndrome. Last evaluated: 2024-10-08. Review status: criteria provided, single submitter. Criteria: ACMG Guidelines, 2015. Collection method: clinical testing. Allele origin: germline. Affected: yes.
Comment: Based on the classification scheme VCGS_Germline_v1.3.4, this variant is classified as Pathogenic. Following criteria are met: 0103 - Loss of function is a known mechanism of disease for this gene and is associated with Alport syndrome. Dominant negative is a suspected mechanism of disease for this gene as it is a structural protein (PMID: 12028435, 24046192). (I) 0108 - This gene is associated with both recessive and dominant disease. Alport syndrome typically has biallelic inheritance, although rare cases of monoallelic inheritance have been reported (PMID: 28704582). Thin basement membrane nephropathy (TBMN) and focal segmental glomerulosclerosis (FSGS) are associated with autosomal dominant inheritance (OMIM, PMID: 16467446, 17942953). (I) 0216 - In-frame deletion in a non-repetitive region that has low conservation. (SP) 0251 - This variant is heterozygous. (I) 0304 - Variant is present in gnomAD (v2) <0.01 (3 heterozygotes, 0 homozygotes). An alternative deletion that affects the same amino acids (c.1323_1340del) is also present in gnomAD (v2) (10 heterozygotes, 0 homozygotes). (SP) 0601 - Variant is located in the well-established functional Gly-X-Y motif in the collagen triple helical domain (DECIPHER). (SP) 0801 - This variant and another deletion resulting in the same predicted protein outcome (c.1323_1340del) have strong previous evidence of pathogenicity in unrelated individuals. These variants have been classified as pathogenic and likely pathogenic by clinical laboratories in ClinVar, and observed in multiple heterozygous and compound heterozygous individuals with COL4A4-related disease (PMID: 27281700, 28704582, 30745910). (SP) 1208 - Inheritance information for this variant is not currently available in this individual. (I) Legend: (SP) - Supporting pathogenic, (I) - Information, (SB) - Supporting benign

Molecular Genetics, Royal Melbourne Hospital
Classification: Pathogenic for Alport syndrome. Last evaluated: 2024-09-08. Review status: criteria provided, single submitter. Criteria: ACMG Guidelines, 2015. Collection method: clinical testing. Allele origin: germline. Inheritance: Semidominant inheritance. Affected: yes.
Comment: This sequence change is predicted to cause a change in the length of the protein due to an in-frame deletion of six amino acids in a non-repeat region of the COL4A4 protein, p.(Pro444_Leu449del). The region deleted is highly conserved (100 vertebrates, Multiz Alignments), and removes critical glycine residues in collagen triple helix repeats (Gly-X-Y) in the alpha-IV collagenous domain (PMID: 20301386). The highest population minor allele frequency in the population database gnomAD v4.1 is 0.001% (15/1,179,848 alleles) in the European (non-Finnish) population, consistent with semi-dominant Alport syndrome. This variant has been detected as compound heterozygous in at least two individuals with Alport syndrome, with at least one pathogenic variant confirmed on the second allele (PMID: 33095447; LOVD Individual #00153475). The same amino acid change (p.Pro444_Leu449del), resulting from a different nucleotide change c.1323_1340del, has been reported as pathogenic for Alport syndrome (ClinVar ID: 552183). Based on the classification scheme RMH Modified ACMG/AMP Guidelines v1.7.0, this variant is classified as PATHOGENIC. Following criteria are met: PM1, PM2_Supporting, PM3_Strong, PS1.

Fulgent Genetics
Classification: Likely pathogenic for Hematuria, benign familial, 1; Autosomal recessive Alport syndrome. Last evaluated: 2024-05-11. Review status: criteria provided, single submitter. Criteria: ACMG Guidelines, 2015. Collection method: clinical testing. Allele origin: germline.

Counsyl
Classification: Likely pathogenic for Autosomal recessive Alport syndrome. Last evaluated: 2018-01-08. Review status: no assertion criteria provided. Collection method: clinical testing. Allele origin: unknown. Not counted in ClinVar's aggregate classification.

Literature cited by the submitters: PubMed 9792860 (cited by Labcorp Genetics (formerly Invitae), Labcorp); PubMed 25307543 (cited by Labcorp Genetics (formerly Invitae), Labcorp); PubMed 27281700 (cited by Labcorp Genetics (formerly Invitae), Labcorp and Victorian Clinical Genetics Services, Murdoch Childrens Research Institute); PubMed 30745910 (cited by 3 submitters); PubMed 12028435 (cited by Victorian Clinical Genetics Services, Murdoch Childrens Research Institute); PubMed 16467446 (cited by Victorian Clinical Genetics Services, Murdoch Childrens Research Institute); PubMed 17942953 (cited by Victorian Clinical Genetics Services, Murdoch Childrens Research Institute); PubMed 24046192 (cited by Victorian Clinical Genetics Services, Murdoch Childrens Research Institute); PubMed 28704582 (cited by Victorian Clinical Genetics Services, Murdoch Childrens Research Institute); PubMed 20301386 (cited by Molecular Genetics, Royal Melbourne Hospital); PubMed 33095447 (cited by Molecular Genetics, Royal Melbourne Hospital).